The following is an entry in ClinVar:

ClinVar aggregate classification (germline): Uncertain significance. Review status: criteria provided, multiple submitters, no conflicts (2 of 4 stars). 11 submissions from 11 submitters: Uncertain significance (6). 5 of the submissions do not count toward it. Last evaluated 2025-08-09.

Conditions:
Cardiomyopathy (CMYO). Also called: Cardiomyopathies. Identifiers: Orphanet 167848, MedGen C0878544, MONDO:0004994, HP:0001638. Inheritance: Various modes of inheritance.
Hypertrophic cardiomyopathy. Also called: HYPERTROPHIC MYOCARDIOPATHY. Identifiers: Orphanet 217569, MedGen C0007194, MeSH D002312, MONDO:0005045, HP:0001639.

Allele frequency attached by ClinVar (database versions not stated): gnomAD exomes below 0.00001 and 0.00001; gnomAD 0.00001; TOPMed 0.00001.
gnomAD v4.1: 7 of 1,610,892 alleles (0.00043%); highest among the groups gnomAD compares: Non-Finnish European, 0.00051%; no homozygotes.

Submissions (11):

Labcorp Genetics (formerly Invitae), Labcorp
Classification: Uncertain significance for Hypertrophic cardiomyopathy. Last evaluated: 2025-08-09. Review status: criteria provided, single submitter. Criteria: Invitae Variant Classification Sherloc (09022015). Collection method: clinical testing. Allele origin: germline.
Comment: This sequence change replaces serine, which is neutral and polar, with glycine, which is neutral and non-polar, at codon 1843 of the MYH7 protein (p.Ser1843Gly). This variant is present in population databases (rs200157204, gnomAD 0.003%). This missense change has been observed in individual(s) with clinical features of MYH7-related conditions (PMID: 27247418, 30297972, 30847666). ClinVar contains an entry for this variant (Variation ID: 191725). Invitae Evidence Modeling of protein sequence and biophysical properties (such as structural, functional, and spatial information, amino acid conservation, physicochemical variation, residue mobility, and thermodynamic stability) indicates that this missense variant is not expected to disrupt MYH7 protein function with a negative predictive value of 95%. In summary, the available evidence is currently insufficient to determine the role of this variant in disease. Therefore, it has been classified as a Variant of Uncertain Significance.

All of Us Research Program, National Institutes of Health
Classification: Uncertain significance for Cardiomyopathy. Last evaluated: 2024-08-13. Review status: criteria provided, single submitter. Criteria: ACMG Guidelines, 2015. Collection method: clinical testing. Allele origin: germline. Inheritance: Autosomal dominant inheritance. Observed: 2 variant alleles, 2 heterozygotes.
Comment: This missense variant replaces serine with glycine at codon 1843 of the MYH7 protein. Computational prediction tools indicate that this variant has a neutral impact on protein structure and function. To our knowledge, functional studies have not been reported for this variant. This variant has been reported in at least two individuals affected with hypertrophic cardiomyopathy (PMID: 29853478, 30297972, 30847666, 33495597). This variant has been identified in 3/249502 chromosomes in the general population by the Genome Aggregation Database (gnomAD). The available evidence is insufficient to determine the role of this variant in disease conclusively. Therefore, this variant is classified as a Variant of Uncertain Significance.

This study involves interpretation of variants in research participants for the purpose of population health screening. Participant phenotype was not available at the time of variant classification. Additional details can be found in publication PMID: 35346344, PMCID: PMC8962531

Color Diagnostics, LLC DBA Color Health
Classification: Uncertain significance for Cardiomyopathy. Last evaluated: 2024-05-02. Review status: criteria provided, single submitter. Criteria: ACMG Guidelines, 2015. Collection method: clinical testing. Allele origin: germline.
Comment: This missense variant replaces serine with glycine at codon 1843 of the MYH7 protein. Computational prediction tools indicate that this variant has a neutral impact on protein structure and function. To our knowledge, functional studies have not been reported for this variant. This variant has been reported in at least two individuals affected with hypertrophic cardiomyopathy (PMID: 29853478, 30297972, 30847666, 33495597). This variant has been identified in 3/249502 chromosomes in the general population by the Genome Aggregation Database (gnomAD). The available evidence is insufficient to determine the role of this variant in disease conclusively. Therefore, this variant is classified as a Variant of Uncertain Significance.

Revvity Omics, Revvity
Classification: Uncertain significance. Last evaluated: 2021-09-13. Review status: criteria provided, single submitter. Criteria: ACMG Guidelines, 2015. Collection method: clinical testing. Allele origin: germline.

GeneDx
Classification: Uncertain significance. Last evaluated: 2019-07-29. Review status: criteria provided, single submitter. Criteria: GeneDx Variant Classification Process June 2021. Collection method: clinical testing. Allele origin: germline. Affected: yes.
Comment: Not observed at a significant frequency in large population cohorts (Lek et al., 2016); In silico analysis, which includes protein predictors and evolutionary conservation, supports that this variant does not alter protein structure/function; Reported in an individual with hypertrophic cardiomyopathy from the Sacromeric Human Cardiomyopathy Registry in the published literature (Homburger et al., 2016); This variant is associated with the following publications: (PMID: 27247418)

Biesecker Lab/Clinical Genomics Section, National Institutes of Health
Classification: Uncertain significance. Last evaluated: 2013-06-24. Review status: criteria provided, single submitter. Criteria: Ng et al. (Circ Cardiovasc Genet. 2013). Collection method: research. Allele origin: unknown. Observed: 1 variant allele. Study: ClinSeq.
Comment: The study set was not selected for affection status in relation to any cancer. Pathogenicity categories were based on literature curation. See Pubmed ID:23861362 for details.

Medical sequencing

Clinical Genetics DNA and cytogenetics Diagnostics Lab, Erasmus MC, Erasmus Medical Center
Classification: Uncertain significance. Review status: no assertion criteria provided. Collection method: clinical testing. Allele origin: germline. Affected: yes. Study: VKGL Data-share Consensus. Not counted in ClinVar's aggregate classification.

Clinical Genetics, Academic Medical Center
Classification: Uncertain significance. Review status: no assertion criteria provided. Collection method: clinical testing. Allele origin: germline. Affected: yes. Study: VKGL Data-share Consensus. Not counted in ClinVar's aggregate classification.

Diagnostic Laboratory, Department of Genetics, University Medical Center Groningen
Classification: Uncertain significance. Review status: no assertion criteria provided. Collection method: clinical testing. Allele origin: germline. Affected: yes. Study: VKGL Data-share Consensus. Not counted in ClinVar's aggregate classification.

Genome Diagnostics Laboratory, University Medical Center Utrecht
Classification: Uncertain significance. Review status: no assertion criteria provided. Collection method: clinical testing. Allele origin: germline. Affected: yes. Study: VKGL Data-share Consensus. Not counted in ClinVar's aggregate classification.

Joint Genome Diagnostic Labs from Nijmegen and Maastricht, Radboudumc and MUMC+
Classification: Uncertain significance. Review status: no assertion criteria provided. Collection method: clinical testing. Allele origin: germline. Affected: yes. Study: VKGL Data-share Consensus. Not counted in ClinVar's aggregate classification.

Literature cited by the submitters: PubMed 27247418 (cited by Labcorp Genetics (formerly Invitae), Labcorp); PubMed 30297972 (cited by 3 submitters); PubMed 30847666 (cited by 3 submitters); PubMed 29853478 (cited by All of Us Research Program, National Institutes of Health and Color Diagnostics, LLC DBA Color Health); PubMed 33495597 (cited by All of Us Research Program, National Institutes of Health and Color Diagnostics, LLC DBA Color Health).

NM_000257.4(MYH7):c.5527A>G (p.Ser1843Gly)

Gene: MYH7 (myosin heavy chain 7; minus strand). Cytogenetic location: 14q11.2.
Variant type: single nucleotide variant.
Coding change: c.5527A>G on transcript NM_000257.4 (MANE Select); coding-DNA position 5527, A replaced by G.
Protein change: p.Ser1843Gly; replaces serine 1843 with glycine.
Molecular consequence: missense variant.
Genome position (GRCh38, 1-based): chr14:23,415,027, T>C on the plus strand (A>G on the coding strand, the complement: MYH7 is on the minus strand). VCF-style: chr14-23415027-T-C. GRCh37 (hg19) VCF-style: chr14-23884236-T-C.
Other names: c.5527A>G (LRG_384t1); short protein forms S1843G.
Identifiers: ClinVar variation 191725 (VCV000191725.25), dbSNP rs200157204, ClinGen allele CA016188.